The following is an entry in ClinVar:

ClinVar aggregate classification (germline): Uncertain significance. Review status: criteria provided, multiple submitters, no conflicts (2 of 4 stars). 2 submissions from 2 submitters: Uncertain significance (2). Last evaluated 2023-09-11.

Conditions:
Intellectual developmental disorder, X-linked, syndromic, Siderius type. Also called: Syndromic X-linked intellectual disability Siderius type. Identifiers: Orphanet 85287, MedGen C1846055, MONDO:0010286, OMIM 300263.

Allele frequency attached by ClinVar (database versions not stated): gnomAD 0.00003; TOPMed 0.00003.
gnomAD v4.1: 13 of 1,209,694 alleles (0.0011%); highest among the groups gnomAD compares: African/African-American, 0.014%; no homozygotes.

Submissions (2):

GeneDx
Classification: Uncertain significance. Last evaluated: 2023-09-11. Review status: criteria provided, single submitter. Criteria: GeneDx Variant Classification Process June 2021. Collection method: clinical testing. Allele origin: germline. Affected: yes.
Comment: Has not been previously published as pathogenic or benign to our knowledge; In silico analysis supports that this missense variant has a deleterious effect on protein structure/function

Laboratorio de Genetica e Diagnostico Molecular, Hospital Israelita Albert Einstein
Classification: Uncertain significance for Intellectual developmental disorder, X-linked, syndromic, Siderius type. Last evaluated: 2022-10-14. Review status: criteria provided, single submitter. Criteria: ACMG Guidelines, 2015. Collection method: clinical testing. Allele origin: germline. Affected: yes. Observed: 1 variant allele.
Comment: ACMG classification criteria: PM2 moderated, PP2 supporting, BP4 supporting

NM_015107.3(PHF8):c.2117A>G (p.Tyr706Cys)

Gene: PHF8 (PHD finger protein 8; minus strand). Cytogenetic location: Xp11.22.
Variant type: single nucleotide variant.
Coding change: c.2117A>G on transcript NM_015107.3 (MANE Select); coding-DNA position 2117, A replaced by G.
Protein change: p.Tyr706Cys; replaces tyrosine 706 with cysteine.
Molecular consequence: missense variant. On other transcripts: intron variant (1).
Genome position (GRCh38, 1-based): chrX:53,985,828, T>C on the plus strand (A>G on the coding strand, the complement: PHF8 is on the minus strand). VCF-style: chrX-53985828-T-C. GRCh37 (hg19) VCF-style: chrX-54012261-T-C.
Other names: c.2225A>G, p.Tyr742Cys (NM_001184896.1); c.1814A>G, p.Tyr605Cys (NM_001184897.2); c.2039-44A>G (NM_001184898.2); short protein forms Y605C, Y706C, Y742C.
Identifiers: ClinVar variation 1303569 (VCV001303569.4), dbSNP rs782680617, ClinGen allele CA413253942.
Genomic context (GRCh38, chrX:53,985,828, plus strand): 5'-GGTTGCTGTCTGATAGCCTGGAAAGGGGAGATAAAAGCCAGTACTCACGTGAGGGCAGCA[T>C]AGTCAGGTCCCCCCACCTGCCTGCTGGCCTTGAGCAGATCAAGAATGCCACCAGCGCCAC-3'
Protein context (NP_055922.1, residues 696-716): KASRQVGGPD[Tyr706Cys]AALTEAPASP